The following is an entry in ClinVar:

ClinVar aggregate classification (germline): Uncertain significance (1 of 4 stars; one submission).

Allele frequency attached by ClinVar (database versions not stated): gnomAD 0.00001.
gnomAD v4.1: 1 of 1,613,968 alleles (0.000062%); highest among the groups gnomAD compares: African/African-American, 0.0013%; no homozygotes.

Submission:

Labcorp Genetics (formerly Invitae), Labcorp
Classification: Uncertain significance. Last evaluated: 2022-11-22. Review status: criteria provided, single submitter. Criteria: Invitae Variant Classification Sherloc (09022015). Collection method: clinical testing. Allele origin: germline.
Comment: In summary, the available evidence is currently insufficient to determine the role of this variant in disease. Therefore, it has been classified as a Variant of Uncertain Significance. Advanced modeling of protein sequence and biophysical properties (such as structural, functional, and spatial information, amino acid conservation, physicochemical variation, residue mobility, and thermodynamic stability) performed at Invitae indicates that this missense variant is not expected to disrupt IMPG2 protein function. This variant has not been reported in the literature in individuals affected with IMPG2-related conditions. This variant is not present in population databases (gnomAD no frequency). This sequence change replaces aspartic acid, which is acidic and polar, with glutamic acid, which is acidic and polar, at codon 740 of the IMPG2 protein (p.Asp740Glu).

NM_016247.4(IMPG2):c.2220T>G (p.Asp740Glu)

Gene: IMPG2 (interphotoreceptor matrix proteoglycan 2; minus strand). Cytogenetic location: 3q12.3.
Variant type: single nucleotide variant.
Coding change: c.2220T>G on transcript NM_016247.4 (MANE Select); coding-DNA position 2220, T replaced by G.
Protein change: p.Asp740Glu; replaces aspartic acid 740 with glutamic acid.
Molecular consequence: missense variant.
Genome position (GRCh38, 1-based): chr3:101,244,111, A>C on the plus strand (T>G on the coding strand, the complement: IMPG2 is on the minus strand). VCF-style: chr3-101244111-A-C. GRCh37 (hg19) VCF-style: chr3-100962955-A-C.
Other names: short protein forms D740E.
Identifiers: ClinVar variation 2102923 (VCV002102923.4), dbSNP rs770838621, ClinGen allele CA353858348.